The following is an entry in ClinVar:

ClinVar aggregate classification (germline): Likely benign. Review status: criteria provided, single submitter (1 of 4 stars). 2 submissions from 2 submitters: Likely benign (1). 1 of the submissions does not count toward it. Last evaluated 2024-09-26.

Conditions:
Ehlers-Danlos syndrome, classic type, 1 (EDSCL1). Also called: EDS I; EHLERS-DANLOS SYNDROME, GRAVIS TYPE; EHLERS-DANLOS SYNDROME, SEVERE CLASSIC TYPE; Ehlers-Danlos syndrome, type 1; Ehlers-Danlos Syndrome, Classic Type, COL5A1-Related. Identifiers: MedGen C0268335, MONDO:0019567, OMIM 130000.
COL5A2-related disorder. Also called: COL5A2-related condition.

Submissions (2):

Labcorp Genetics (formerly Invitae), Labcorp
Classification: Likely benign for Ehlers-Danlos syndrome, classic type, 1. Last evaluated: 2024-09-26. Review status: criteria provided, single submitter. Criteria: Invitae Variant Classification Sherloc (09022015). Collection method: clinical testing. Allele origin: germline.

PreventionGenetics, part of Exact Sciences
Classification: Likely benign for COL5A2-related condition. Last evaluated: 2021-02-04. Review status: no assertion criteria provided. Collection method: clinical testing. Allele origin: germline. Not counted in ClinVar's aggregate classification.
Comment: This variant is classified as likely benign based on ACMG/AMP sequence variant interpretation guidelines (Richards et al. 2015 PMID: 25741868, with internal and published modifications).

NM_000393.5(COL5A2):c.4062T>C (p.Ser1354=)

Gene: COL5A2 (collagen type V alpha 2 chain; minus strand). Cytogenetic location: 2q32.2.
Variant type: single nucleotide variant.
Coding change: c.4062T>C on transcript NM_000393.5 (MANE Select); coding-DNA position 4062, T replaced by C.
Protein change: p.Ser1354=; no amino-acid change (serine 1354 retained).
Molecular consequence: synonymous variant.
Genome position (GRCh38, 1-based): chr2:189,036,667, A>G on the plus strand (T>C on the coding strand, the complement: COL5A2 is on the minus strand). VCF-style: chr2-189036667-A-G. GRCh37 (hg19) VCF-style: chr2-189901393-A-G.
Identifiers: ClinVar variation 3030787 (VCV003030787.4), dbSNP rs1191195563, ClinGen allele CA430319007.